The following is an entry in ClinVar:

ClinVar aggregate classification (germline): Uncertain significance. Review status: criteria provided, multiple submitters, no conflicts (2 of 4 stars). 2 submissions from 2 submitters: Uncertain significance (2). Last evaluated 2026-06-17.

Conditions:
Hereditary cancer-predisposing syndrome. Also called: Neoplastic Syndromes, Hereditary; Hereditary neoplastic syndrome; Hereditary Cancer Syndrome; Tumor predisposition. Identifiers: Orphanet 140162, MedGen C0027672, MeSH D009386, MONDO:0015356.
Hereditary diffuse gastric adenocarcinoma (HDGC). Also called: DIFFUSE GASTRIC AND LOBULAR BREAST CANCER SYNDROME. Identifiers: Orphanet 26106, MedGen C1708349, MONDO:0007648, OMIM 137215.

Submissions (2):

Ambry Genetics
Classification: Uncertain significance for Hereditary cancer-predisposing syndrome. Last evaluated: 2026-06-17. Review status: criteria provided, single submitter. Criteria: Ambry Variant Classification Scheme 2023. Collection method: clinical testing. Allele origin: germline.
Comment: The p.D764G variant (also known as c.2291A>G), located in coding exon 14 of the CDH1 gene, results from an A to G substitution at nucleotide position 2291. The aspartic acid at codon 764 is replaced by glycine, an amino acid with similar properties. This amino acid position is highly conserved in available vertebrate species. In addition, this alteration is predicted to be deleterious by in silico analysis. Based on the available evidence, the clinical significance of this variant remains unclear.

Labcorp Genetics (formerly Invitae), Labcorp
Classification: Uncertain significance for Hereditary diffuse gastric adenocarcinoma. Last evaluated: 2017-04-07. Review status: criteria provided, single submitter. Criteria: Invitae Variant Classification Sherloc (09022015). Collection method: clinical testing. Allele origin: germline.
Comment: In summary, this variant is a novel missense change with uncertain impact on protein function. It has been classified as a Variant of Uncertain Significance. Algorithms developed to predict the effect of missense changes on protein structure and function do not agree on the potential impact of this missense change (SIFT: "Deleterious"; PolyPhen-2: "Probably Damaging"; Align-GVGD: "Class C0"). This variant is not present in population databases (ExAC no frequency) and has not been reported in the literature in individuals with a CDH1-related disease. This sequence change replaces aspartic acid with glycine at codon 764 of the CDH1 protein (p.Asp764Gly). The aspartic acid residue is highly conserved and there is a moderate physicochemical difference between aspartic acid and glycine.

NM_004360.5(CDH1):c.2291A>G (p.Asp764Gly)

Gene: CDH1 (cadherin 1; plus strand). Cytogenetic location: 16q22.1.
Variant type: single nucleotide variant.
Coding change: c.2291A>G on transcript NM_004360.5 (MANE Select); coding-DNA position 2291, A replaced by G.
Protein change: p.Asp764Gly; replaces aspartic acid 764 with glycine.
Molecular consequence: missense variant.
Genome position (GRCh38, 1-based): chr16:68,828,300, A>G. VCF-style: chr16-68828300-A-G. GRCh37 (hg19) VCF-style: chr16-68862203-A-G.
Other names: c.2291A>G (LRG_301t1); c.2108A>G, p.Asp703Gly (NM_001317184.2); c.743A>G, p.Asp248Gly (NM_001317185.2); c.326A>G, p.Asp109Gly (NM_001317186.2); short protein forms D764G, D109G, D703G, D248G.
Identifiers: ClinVar variation 463755 (VCV000463755.14), dbSNP rs1555517687, ClinGen allele CA396470113.